The following is an entry in ClinVar:

ClinVar aggregate classification (germline): Conflicting classifications of pathogenicity. Review status: criteria provided, conflicting classifications (1 of 4 stars). 2 submissions from 2 submitters: Uncertain significance (1); Likely benign (1). Last evaluated 2025-08-26.

Conditions:
Hypertrophic cardiomyopathy 1 (CMH1). Also called: Familial hypertrophic cardiomyopathy 1; MYH7-Related Familial Hypertrophic Cardiomyopathy. Identifiers: MedGen C3495498, MONDO:0008647, OMIM 192600.

Allele frequency attached by ClinVar (database versions not stated): TOPMed below 0.00001; ExAC 0.00001; gnomAD exomes 0.00002.
gnomAD v4.1: 24 of 1,612,610 alleles (0.0015%); highest among the groups gnomAD compares: Admixed American, 0.0033%; no homozygotes.

Submissions (2):

Labcorp Genetics (formerly Invitae), Labcorp
Classification: Uncertain significance for Hypertrophic cardiomyopathy 1. Last evaluated: 2025-08-26. Review status: criteria provided, single submitter. Criteria: Invitae Variant Classification Sherloc (09022015). Collection method: clinical testing. Allele origin: germline.
Comment: This sequence change replaces lysine, which is basic and polar, with glutamic acid, which is acidic and polar, at codon 125 of the MYLK2 protein (p.Lys125Glu). This variant is present in population databases (rs774114072, gnomAD 0.009%). This variant has not been reported in the literature in individuals affected with MYLK2-related conditions. ClinVar contains an entry for this variant (Variation ID: 540256). Invitae Evidence Modeling of protein sequence and biophysical properties (such as structural, functional, and spatial information, amino acid conservation, physicochemical variation, residue mobility, and thermodynamic stability) indicates that this missense variant is not expected to disrupt MYLK2 protein function with a negative predictive value of 80%. In summary, the available evidence is currently insufficient to determine the role of this variant in disease. Therefore, it has been classified as a Variant of Uncertain Significance.

Ambry Genetics
Classification: Likely benign. Last evaluated: 2022-06-27. Review status: criteria provided, single submitter. Criteria: Ambry Variant Classification Scheme 2023. Collection method: clinical testing. Allele origin: germline.

NM_033118.4(MYLK2):c.373A>G (p.Lys125Glu)

Gene: MYLK2 (myosin light chain kinase 2; plus strand). Cytogenetic location: 20q11.21.
Variant type: single nucleotide variant.
Coding change: c.373A>G on transcript NM_033118.4 (MANE Select); coding-DNA position 373, A replaced by G.
Protein change: p.Lys125Glu; replaces lysine 125 with glutamic acid.
Molecular consequence: missense variant.
Genome position (GRCh38, 1-based): chr20:31,820,446, A>G. VCF-style: chr20-31820446-A-G. GRCh37 (hg19) VCF-style: chr20-30408249-A-G.
Other names: short protein forms K125E.
Identifiers: ClinVar variation 540256 (VCV000540256.10), dbSNP rs774114072, ClinGen allele CA9802903.